The following is an entry in ClinVar:

NM_000535.7(PMS2):c.1394A>G (p.Lys465Arg)

Gene: PMS2 (PMS1 homolog 2, mismatch repair system component; minus strand). Cytogenetic location: 7p22.1.
Variant type: single nucleotide variant.
Coding change: c.1394A>G on transcript NM_000535.7 (MANE Select); coding-DNA position 1394, A replaced by G.
Protein change: p.Lys465Arg; replaces lysine 465 with arginine.
Molecular consequence: missense variant. On other transcripts: non-coding transcript variant (1).
Genome position (GRCh38, 1-based): chr7:5,987,371, T>C on the plus strand (A>G on the coding strand, the complement: PMS2 is on the minus strand). VCF-style: chr7-5987371-T-C. GRCh37 (hg19) VCF-style: chr7-6027002-T-C.
Other names: c.989A>G, p.Lys330Arg (NM_001322003.2, NM_001322004.2, NM_001322005.2 and 1 more transcripts); c.1238A>G, p.Lys413Arg (NM_001322006.2); c.1076A>G, p.Lys359Arg (NM_001322007.2, NM_001322008.2); c.833A>G, p.Lys278Arg (NM_001322010.2); c.461A>G, p.Lys154Arg (NM_001322011.2, NM_001322012.2); c.821A>G, p.Lys274Arg (NM_001322013.2); c.1394A>G, p.Lys465Arg (NM_001322014.2); c.1085A>G, p.Lys362Arg (NM_001322015.2); short protein forms K465R, K274R, K278R, K359R, K362R, K413R, K154R, K330R.
Identifiers: ClinVar variation 186045 (VCV000186045.29), dbSNP rs141084758, ClinGen allele CA009618.

ClinVar aggregate classification (germline): Conflicting classifications of pathogenicity. Review status: criteria provided, conflicting classifications (1 of 4 stars). 10 submissions from 10 submitters: Uncertain significance (7); Likely benign (2). 1 of the submissions does not count toward it. Last evaluated 2025-10-23.

Conditions:
Hereditary nonpolyposis colorectal neoplasms. Identifiers: MedGen C0009405, MeSH D003123.
Hereditary cancer-predisposing syndrome. Also called: Tumor predisposition; Neoplastic Syndromes, Hereditary; Hereditary neoplastic syndrome; Hereditary Cancer Syndrome. Identifiers: Orphanet 140162, MedGen C0027672, MeSH D009386, MONDO:0015356.
Lynch syndrome. Identifiers: Orphanet 144, MedGen C4552100, MONDO:0005835. Disease mechanism: loss of function.
Lynch syndrome 4 (LYNCH4). Also called: Colorectal cancer, hereditary nonpolyposis, type 4; Hereditary non-polyposis colorectal cancer, type 4. Identifiers: Orphanet 144, MedGen C1838333, MONDO:0013699, OMIM 614337. Disease mechanism: loss of function.

Allele frequency attached by ClinVar (database versions not stated): TOPMed 0.00003; gnomAD 0.00005 and 0.00006; ESP Exome Variant Server 0.00008; gnomAD exomes below 0.00001 and 0.00001; ExAC 0.00001.
gnomAD v4.1: 15 of 1,614,044 alleles (0.00093%); highest among the groups gnomAD compares: African/African-American, 0.016%; no homozygotes.

Submissions (10):

Labcorp Genetics (formerly Invitae), Labcorp
Classification: Uncertain significance for Hereditary nonpolyposis colorectal neoplasms. Last evaluated: 2025-10-23. Review status: criteria provided, single submitter. Criteria: Invitae Variant Classification Sherloc (09022015). Collection method: clinical testing. Allele origin: germline.
Comment: This sequence change replaces lysine, which is basic and polar, with arginine, which is basic and polar, at codon 465 of the PMS2 protein (p.Lys465Arg). This variant is present in population databases (rs141084758, gnomAD 0.02%). This variant has not been reported in the literature in individuals affected with PMS2-related conditions. ClinVar contains an entry for this variant (Variation ID: 186045). Invitae Evidence Modeling incorporating data from in vitro experimental studies (internal data) indicates that this missense variant is not expected to disrupt PMS2 function with a negative predictive value of 95%. In summary, the available evidence is currently insufficient to determine the role of this variant in disease. Therefore, it has been classified as a Variant of Uncertain Significance.

Quest Diagnostics Nichols Institute San Juan Capistrano
Classification: Uncertain significance. Last evaluated: 2025-01-09. Review status: criteria provided, single submitter. Criteria: Quest Diagnostics criteria. Collection method: clinical testing. Allele origin: unknown.
Comment: The PMS2 c.1394A>G (p.Lys465Arg) variant has been reported in the published literature in individuals affected with breast cancer (PMID: 37231433 (2023)). One study identified the variant in the pseudogene (PMS2CL) of an individual affected with a Lynch syndrome associated cancer (PMID: 20186688 (2010)). The frequency of this variant in the general population (Genome Aggregation Database) is uninformative in the assessment of its pathogenicity. Analysis of this variant using bioinformatics tools for the prediction of the effect of amino acid changes on protein structure and function yielded predictions that this variant is benign. Additional analysis using software algorithms for the prediction of the effect of nucleotide changes on PMS2 mRNA splicing yielded predictions that this variant may result in the gain of a cryptic splice site without affecting the natural splice sites. Based on the available information, we are unable to determine the clinical significance of this variant.

Blueprint Genetics
Classification: Likely benign. Last evaluated: 2024-06-05. Review status: criteria provided, single submitter. Criteria: ACMG Guidelines, 2015. Collection method: clinical testing. Allele origin: germline.

GeneDx
Classification: Uncertain significance. Last evaluated: 2024-05-22. Review status: criteria provided, single submitter. Criteria: GeneDx Variant Classification Process June 2021. Collection method: clinical testing. Allele origin: germline. Affected: yes.
Comment: In silico analysis indicates that this missense variant does not alter protein structure/function; Has not been previously published as pathogenic or benign to our knowledge; This variant is associated with the following publications: (PMID: 20186688)

All of Us Research Program, National Institutes of Health
Classification: Uncertain significance for Lynch syndrome. Last evaluated: 2023-07-10. Review status: criteria provided, single submitter. Criteria: ACMG Guidelines, 2015. Collection method: clinical testing. Allele origin: germline. Inheritance: Autosomal dominant inheritance. Observed: 3 variant alleles, 3 heterozygotes.
Comment: This missense variant replaces lysine with arginine at codon 465 of the PMS2 protein. Computational prediction suggests that this variant may not impact protein structure and function (internally defined REVEL score threshold <= 0.5, PMID: 27666373). Splice site prediction tools suggest that this variant may not impact RNA splicing. To our knowledge, functional studies have not been performed for this variant. This variant has not been reported in individuals affected with hereditary cancer in the literature. This variant has been identified in 6/282886 chromosomes in the general population by the Genome Aggregation Database (gnomAD). The available evidence is insufficient to determine the role of this variant in disease conclusively. Therefore, this variant is classified as a Variant of Uncertain Significance.

This study involves interpretation of variants in research participants for the purpose of population health screening. Participant phenotype was not available at the time of variant classification. Additional details can be found in publication PMID: 35346344, PMCID: PMC8962531

Color Diagnostics, LLC DBA Color Health
Classification: Uncertain significance for Hereditary cancer-predisposing syndrome. Last evaluated: 2023-05-04. Review status: criteria provided, single submitter. Criteria: ACMG Guidelines, 2015. Collection method: clinical testing. Allele origin: germline.
Comment: This missense variant replaces lysine with arginine at codon 465 of the PMS2 protein. Computational prediction suggests that this variant may not impact protein structure and function (internally defined REVEL score threshold <= 0.5, PMID: 27666373). To our knowledge, functional studies have not been reported for this variant. This variant has not been reported in individuals affected with PMS2-related disorders in the literature. This variant has been identified in 6/282886 chromosomes in the general population by the Genome Aggregation Database (gnomAD). The available evidence is insufficient to determine the role of this variant in disease conclusively. Therefore, this variant is classified as a Variant of Uncertain Significance.

Myriad Genetics, Inc.
Classification: Uncertain significance for Lynch syndrome 4. Last evaluated: 2023-04-04. Review status: criteria provided, single submitter. Criteria: Myriad Autosomal Dominant, Autosomal Recessive and X-Linked Classification Criteria (2023). Collection method: clinical testing. Allele origin: unknown.
Comment: This variant is classified as a variant of uncertain significance as there is insufficient evidence to determine its impact on protein function and/or cancer risk.

Sema4
Classification: Uncertain significance for Hereditary cancer-predisposing syndrome. Last evaluated: 2021-11-01. Review status: criteria provided, single submitter. Criteria: Sema4 Curation Guidelines. Collection method: curation. Allele origin: germline.
Comment: The PMS2 c.1394A>G (p.K465R) variant has not been reported in literature to our knowledge. This variant was observed in 5/24966 chromosomes in the African/African American population according to the Genome Aggregation Database (PMID: 32461654). This variant has been reported in ClinVar (Variation ID 186045). Functional studies have not been performed, and in silico predictions of the variant's effect on protein function are inconclusive. The overall evidence is insufficient to meet ACMG/AMP criteria for classifying it as benign or pathogenic. In summary, the clinical significance of this variant is currently uncertain.

Ambry Genetics
Classification: Likely benign for Hereditary cancer-predisposing syndrome. Last evaluated: 2018-04-20. Review status: criteria provided, single submitter. Criteria: Ambry Variant Classification Scheme 2023. Collection method: clinical testing. Allele origin: germline.

Counsyl
Classification: Uncertain significance for Lynch syndrome 4. Last evaluated: 2017-07-06. Review status: no assertion criteria provided. Collection method: clinical testing. Allele origin: unknown. Not counted in ClinVar's aggregate classification.

Literature cited by the submitters: PubMed 20186688 (cited by Quest Diagnostics Nichols Institute San Juan Capistrano and Counsyl); PubMed 32952556 (cited by Quest Diagnostics Nichols Institute San Juan Capistrano); PubMed 37231433 (cited by Quest Diagnostics Nichols Institute San Juan Capistrano); PubMed 38851388 (cited by Quest Diagnostics Nichols Institute San Juan Capistrano).